The following is an entry in ClinVar:

ClinVar aggregate classification (germline): Likely pathogenic (1 of 4 stars; one submission).

Conditions:
Intellectual developmental disorder with autism and speech delay. Also called: Autism 5; AUTISM-RELATED SPEECH DELAY; PHRASE SPEECH DELAY, AUTISM-RELATED; AUTS5; Autism, susceptibility to, 5. Identifiers: MedGen C1853755, MONDO:0011627, OMIM 606053.

Submission:

Institute of Human Genetics, University of Leipzig Medical Center
Classification: Likely pathogenic for Intellectual developmental disorder with autism and speech delay. Last evaluated: 2021-09-27. Review status: criteria provided, single submitter. Criteria: ACMG Guidelines, 2015. Collection method: clinical testing. Allele origin: unknown. Affected: yes.
Comment: Deletion of Exon 5

NM_006593.4:c.(1128+1_1129-1)_(1190+1_1191-1)del

Gene: TBR1 (T-box brain transcription factor 1; plus strand).
Variant type: Deletion.
Other names: c.(1128+1_1129-1)_(1190+1_1191-1)del (NM_006593.4).
Identifiers: ClinVar variation 1299335 (VCV001299335.1).